The following is an entry in ClinVar:

NM_017617.5(NOTCH1):c.2521G>A (p.Gly841Ser)

Gene: NOTCH1 (notch receptor 1; minus strand). Cytogenetic location: 9q34.3.
Variant type: single nucleotide variant.
Coding change: c.2521G>A on transcript NM_017617.5 (MANE Select); coding-DNA position 2521, G replaced by A.
Protein change: p.Gly841Ser; replaces glycine 841 with serine.
Molecular consequence: missense variant.
Genome position (GRCh38, 1-based): chr9:136,511,218, C>T on the plus strand (G>A on the coding strand, the complement: NOTCH1 is on the minus strand). VCF-style: chr9-136511218-C-T. GRCh37 (hg19) VCF-style: chr9-139405670-C-T.
Other names: c.2521G>A, p.Gly841Ser (LRG_1122t1); short protein forms G841S.
Identifiers: ClinVar variation 180458 (VCV000180458.15), dbSNP rs369259434, ClinGen allele CA346556.

ClinVar aggregate classification (germline): Conflicting classifications of pathogenicity. Review status: criteria provided, conflicting classifications (1 of 4 stars). 6 submissions from 5 submitters: Uncertain significance (5); Benign (1). Last evaluated 2025-09-28.

Conditions:
Adams-Oliver syndrome 5 (AOS5). Identifiers: Orphanet 974, MedGen C4014970, MONDO:0014459, OMIM 616028.
Familial thoracic aortic aneurysm and aortic dissection (TAAD). Also called: Thoracic aortic aneurysms and dissections. Identifiers: Orphanet 91387, MedGen C4707243, MONDO:0019625.
Aortic valve disease 1 (AOVD1). Identifiers: MedGen C3887892, MONDO:0024523, OMIM 109730.

Allele frequency attached by ClinVar (database versions not stated): ESP Exome Variant Server 0.00008; ExAC 0.00004; gnomAD 0.00005; TOPMed 0.00005.
gnomAD v4.1: 32 of 1,612,718 alleles (0.002%); highest among the groups gnomAD compares: African/African-American, 0.017%; no homozygotes.

Submissions (6):

Labcorp Genetics (formerly Invitae), Labcorp
Classification: Benign for Adams-Oliver syndrome 5. Last evaluated: 2025-09-28. Review status: criteria provided, single submitter. Criteria: Invitae Variant Classification Sherloc (09022015). Collection method: clinical testing. Allele origin: germline.

Ambry Genetics
Classification: Uncertain significance for Familial thoracic aortic aneurysm and aortic dissection. Last evaluated: 2025-08-10. Review status: criteria provided, single submitter. Criteria: Ambry Variant Classification Scheme 2023. Collection method: clinical testing. Allele origin: germline.

Centre of Medical Genetics, University of Antwerp
Classification: Uncertain significance for Familial thoracic aortic aneurysm and aortic dissection. Last evaluated: 2024-09-06. Review status: criteria provided, single submitter. Criteria: ACMG Guidelines, 2015. Collection method: clinical testing. Allele origin: germline. Affected: yes.

GeneDx
Classification: Uncertain significance. Last evaluated: 2023-05-01. Review status: criteria provided, single submitter. Criteria: GeneDx Variant Classification Process June 2021. Collection method: clinical testing. Allele origin: germline. Affected: yes.
Comment: In silico analysis supports that this missense variant does not alter protein structure/function; Has not been previously published as pathogenic or benign to our knowledge

Genome-Nilou Lab
Classification: Uncertain significance for Adams-Oliver syndrome 5. Last evaluated: 2022-03-15. Review status: criteria provided, single submitter. Criteria: ACMG Guidelines, 2015. Collection method: clinical testing. Allele origin: germline. Affected: no.

Genome-Nilou Lab
Classification: Uncertain significance for Aortic valve disease 1. Last evaluated: 2022-03-15. Review status: criteria provided, single submitter. Criteria: ACMG Guidelines, 2015. Collection method: clinical testing. Allele origin: germline. Affected: no.